The following is an entry in ClinVar:

NM_000432.4(MYL2):c.274+6G>T

Gene: MYL2 (myosin light chain 2; minus strand). Cytogenetic location: 12q24.11.
Variant type: single nucleotide variant.
Coding change: c.274+6G>T on transcript NM_000432.4 (MANE Select); 6 bases into the intron after coding-DNA position 274, G replaced by T.
Molecular consequence: intron variant.
Genome position (GRCh38, 1-based): chr12:110,914,180, C>A on the plus strand (G>T on the coding strand, the complement: MYL2 is on the minus strand). VCF-style: chr12-110914180-C-A. GRCh37 (hg19) VCF-style: chr12-111351984-C-A.
Identifiers: ClinVar variation 626793 (VCV000626793.7), dbSNP rs776878088, ClinGen allele CA041136.

ClinVar aggregate classification (germline): Uncertain significance. Review status: criteria provided, multiple submitters, no conflicts (2 of 4 stars). 2 submissions from 2 submitters: Uncertain significance (2). Last evaluated 2025-10-02.

Conditions:
Hypertrophic cardiomyopathy 10. Also called: CARDIOMYOPATHY, HYPERTROPHIC, MID-LEFT VENTRICULAR CHAMBER TYPE, 2; MYL2-Related Familial Hypertrophic Cardiomyopathy. Identifiers: MedGen C1834460, MONDO:0012112, OMIM 608758.
Cardiomyopathy (CMYO). Also called: Cardiomyopathies. Identifiers: Orphanet 167848, MedGen C0878544, MONDO:0004994, HP:0001638. Inheritance: Various modes of inheritance.

Allele frequency attached by ClinVar (database versions not stated): gnomAD below 0.00001 and 0.00001; gnomAD exomes 0.00001; ExAC 0.00002.

Submissions (2):

Labcorp Genetics (formerly Invitae), Labcorp
Classification: Uncertain significance for Hypertrophic cardiomyopathy 10. Last evaluated: 2025-10-02. Review status: criteria provided, single submitter. Criteria: Invitae Variant Classification Sherloc (09022015). Collection method: clinical testing. Allele origin: germline.
Comment: This sequence change falls in intron 4 of the MYL2 gene. It does not directly change the encoded amino acid sequence of the MYL2 protein. It affects a nucleotide within the consensus splice site. This variant is present in population databases (rs776878088, gnomAD 0.002%). This variant has not been reported in the literature in individuals affected with MYL2-related conditions. ClinVar contains an entry for this variant (Variation ID: 626793). Variants that disrupt the consensus splice site are a relatively common cause of aberrant splicing (PMID: 17576681, 9536098). Algorithms developed to predict the effect of sequence changes on RNA splicing suggest that this variant is not likely to affect RNA splicing. In summary, the available evidence is currently insufficient to determine the role of this variant in disease. Therefore, it has been classified as a Variant of Uncertain Significance.

CHEO Genetics Diagnostic Laboratory, Children's Hospital of Eastern Ontario
Classification: Uncertain significance for Cardiomyopathy. Last evaluated: 2017-09-05. Review status: criteria provided, single submitter. Criteria: ACMG Guidelines, 2015. Collection method: clinical testing. Allele origin: germline. Study: Canadian Open Genetics Repository.

Literature cited by the submitters: PubMed 17576681 (cited by Labcorp Genetics (formerly Invitae), Labcorp); PubMed 9536098 (cited by Labcorp Genetics (formerly Invitae), Labcorp).